The following is an entry in ClinVar:

NM_001278512.2(AP3B2):c.3116dup (p.Asn1039fs)

Genes: AP3B2 (adaptor related protein complex 3 subunit beta 2; minus strand), CPEB1-AS1 (CPEB1 antisense RNA 1; plus strand). Cytogenetic location: 15q25.2.
Variant type: Duplication.
Coding change: c.3116dup on transcript NM_001278512.2 (MANE Select); coding-DNA position 3116, one base duplicated (A; older notation c.3116dupA).
Protein change: p.Asn1039fs; shifts the reading frame from asparagine 1039.
Molecular consequence: frameshift variant.
Genome position (GRCh38, 1-based): chr15:82,659,884, T duplicated on the plus strand (A on the coding strand, the reverse complement: AP3B2 is on the minus strand); the first of 2 consecutive T bases (chr15:82,659,884-82,659,885); duplicating either gives the same sequence. VCF-style (leftmost placement, unchanged base first): chr15-82659883-G-GT. GRCh37 (hg19) VCF-style: chr15-83328635-G-GT.
Other names: c.2963dup, p.Asn988fs (NM_001278511.2); c.248dup, p.Asn83fs (NM_001348441.2); c.3059dup, p.Asn1020fs (NM_004644.5); short protein forms N1020fs, N988fs, N83fs, N1039fs.
Identifiers: ClinVar variation 2026276 (VCV002026276.4), dbSNP rs2047907532, ClinGen allele CA2191441340.

ClinVar aggregate classification (germline): Pathogenic (1 of 4 stars; one submission).

Submission:

Labcorp Genetics (formerly Invitae), Labcorp
Classification: Pathogenic. Last evaluated: 2022-08-29. Review status: criteria provided, single submitter. Criteria: Invitae Variant Classification Sherloc (09022015). Collection method: clinical testing. Allele origin: germline.
Comment: This variant is not present in population databases (gnomAD no frequency). For these reasons, this variant has been classified as Pathogenic. This variant disrupts a region of the AP3B2 protein in which other variant(s) (p.Thr1060Serfs*7) have been determined to be pathogenic (PMID: 27889060; Invitae). This suggests that this is a clinically significant region of the protein, and that variants that disrupt it are likely to be disease-causing. This variant has not been reported in the literature in individuals affected with AP3B2-related conditions. This sequence change creates a premature translational stop signal (p.Asn1020Lysfs*11) in the AP3B2 gene. While this is not anticipated to result in nonsense mediated decay, it is expected to disrupt the last 63 amino acid(s) of the AP3B2 protein.

Literature cited by the submitters: PubMed 27889060.